The following is an entry in ClinVar:

NM_000843.4(GRM6):c.895G>A (p.Gly299Ser)

Gene: GRM6 (glutamate metabotropic receptor 6; minus strand). Cytogenetic location: 5q35.3.
Variant type: single nucleotide variant.
Coding change: c.895G>A on transcript NM_000843.4 (MANE Select); coding-DNA position 895, G replaced by A.
Protein change: p.Gly299Ser; replaces glycine 299 with serine.
Molecular consequence: missense variant.
Genome position (GRCh38, 1-based): chr5:178,990,709, C>T on the plus strand (G>A on the coding strand, the complement: GRM6 is on the minus strand). VCF-style: chr5-178990709-C-T. GRCh37 (hg19) VCF-style: chr5-178417710-C-T.
Other names: short protein forms G299S.
Identifiers: ClinVar variation 1904538 (VCV001904538.6), dbSNP rs767912056, ClinGen allele CA3594307.

ClinVar aggregate classification (germline): Uncertain significance. Review status: criteria provided, multiple submitters, no conflicts (2 of 4 stars). 2 submissions from 2 submitters: Uncertain significance (2). Last evaluated 2022-02-08.

Conditions:
Inborn genetic diseases. Identifiers: MedGen C0950123, MeSH D030342.

Allele frequency attached by ClinVar (database versions not stated): ExAC 0.00002; gnomAD 0.00002; TOPMed 0.00002; gnomAD exomes 0.00005.
gnomAD v4.1: 68 of 1,588,692 alleles (0.0043%); highest among the groups gnomAD compares: East Asian, 0.099%; no homozygotes.

Submissions (2):

Labcorp Genetics (formerly Invitae), Labcorp
Classification: Uncertain significance. Last evaluated: 2022-02-08. Review status: criteria provided, single submitter. Criteria: Invitae Variant Classification Sherloc (09022015). Collection method: clinical testing. Allele origin: germline.
Comment: This sequence change replaces glycine, which is neutral and non-polar, with serine, which is neutral and polar, at codon 299 of the GRM6 protein (p.Gly299Ser). This variant is present in population databases (rs767912056, gnomAD 0.02%). In summary, the available evidence is currently insufficient to determine the role of this variant in disease. Therefore, it has been classified as a Variant of Uncertain Significance. Algorithms developed to predict the effect of missense changes on protein structure and function output the following: SIFT: "Tolerated"; PolyPhen-2: "Possibly Damaging"; Align-GVGD: "Class C0". The serine amino acid residue is found in multiple mammalian species, which suggests that this missense change does not adversely affect protein function. This variant has not been reported in the literature in individuals affected with GRM6-related conditions.

Ambry Genetics
Classification: Uncertain significance for Inborn genetic diseases. Last evaluated: 2021-08-12. Review status: criteria provided, single submitter. Criteria: Ambry Variant Classification Scheme 2023. Collection method: clinical testing. Allele origin: germline.